The following is an entry in ClinVar:

ClinVar aggregate classification (germline): Uncertain significance (1 of 4 stars; one submission).

Conditions:
Cornelia de Lange syndrome 1 (CDLS1). Also called: Brachmann de Lange syndrome; NIPBL-Related Cornelia de Lange Syndrome; TYPUS DEGENERATIVUS AMSTELODAMENSIS. Identifiers: Orphanet 199, MedGen C4551851, MONDO:0007387, OMIM 122470.

gnomAD v4.1: 1 of 1,612,222 alleles (0.000062%); highest among the groups gnomAD compares: South Asian, 0.0011%; no homozygotes.

Submission:

Labcorp Genetics (formerly Invitae), Labcorp
Classification: Uncertain significance for Cornelia de Lange syndrome 1. Last evaluated: 2025-05-05. Review status: criteria provided, single submitter. Criteria: Invitae Variant Classification Sherloc (09022015). Collection method: clinical testing. Allele origin: germline.
Comment: This sequence change falls in intron 44 of the NIPBL gene. It does not directly change the encoded amino acid sequence of the NIPBL protein. It affects a nucleotide within the consensus splice site. This variant is not present in population databases (gnomAD no frequency). This variant has not been reported in the literature in individuals affected with NIPBL-related conditions. Variants that disrupt the consensus splice site are a relatively common cause of aberrant splicing (PMID: 17576681, 9536098). Algorithms developed to predict the effect of sequence changes on RNA splicing suggest that this variant is not likely to affect RNA splicing. In summary, the available evidence is currently insufficient to determine the role of this variant in disease. Therefore, it has been classified as a Variant of Uncertain Significance.

Literature cited by the submitters: PubMed 17576681; PubMed 9536098.

NM_133433.4(NIPBL):c.7686-3C>T

Gene: NIPBL (NIPBL cohesin loading factor; plus strand). Cytogenetic location: 5p13.2.
Variant type: single nucleotide variant.
Coding change: c.7686-3C>T on transcript NM_133433.4 (MANE Select); 3 bases into the intron before coding-DNA position 7686, C replaced by T.
Molecular consequence: intron variant.
Genome position (GRCh38, 1-based): chr5:37,060,841, C>T. VCF-style: chr5-37060841-C-T. GRCh37 (hg19) VCF-style: chr5-37060943-C-T.
Other names: c.7686-3C>T (NM_001438586.1, NM_015384.5).
Identifiers: ClinVar variation 4718962 (VCV004718962.1).